The following is an entry in ClinVar:

NM_001256789.3(CACNA1F):c.2635G>A (p.Ala879Thr)

Gene: CACNA1F (calcium voltage-gated channel subunit alpha1 F; minus strand). Cytogenetic location: Xp11.23.
Variant type: single nucleotide variant.
Coding change: c.2635G>A on transcript NM_001256789.3 (MANE Select); coding-DNA position 2635, G replaced by A.
Protein change: p.Ala879Thr; replaces alanine 879 with threonine.
Molecular consequence: missense variant.
Genome position (GRCh38, 1-based): chrX:49,219,359, C>T on the plus strand (G>A on the coding strand, the complement: CACNA1F is on the minus strand). VCF-style: chrX-49219359-C-T. GRCh37 (hg19) VCF-style: chrX-49075818-C-T.
Other names: c.2473G>A, p.Ala825Thr (NM_001256790.3); c.2668G>A, p.Ala890Thr (NM_005183.4); c.2668G>A (NM_005183.3); short protein forms A825T, A879T, A890T.
Identifiers: ClinVar variation 1165147 (VCV001165147.13), dbSNP rs782464083, ClinGen allele CA10410635.

ClinVar aggregate classification (germline): Benign/Likely benign. Review status: criteria provided, multiple submitters, no conflicts (2 of 4 stars). 4 submissions from 4 submitters: Benign (1); Likely benign (2). 1 of the submissions does not count toward it. Last evaluated 2026-07-01.

Conditions:
CACNA1F-related disorder. Also called: CACNA1F-related condition.

Allele frequency attached by ClinVar (database versions not stated): gnomAD exomes 0.00011 and 0.00053; gnomAD 0.00013 and 0.00014; 1000 Genomes Project 30x 0.00021; 1000 Genomes Project 0.00026; TOPMed 0.00029; ExAC 0.00071.
gnomAD v4.1: 127 of 1,206,215 alleles (0.011%); highest among the groups gnomAD compares: Admixed American, 0.25%; no homozygotes.

Submissions (4):

CeGaT Center for Human Genetics Tuebingen
Classification: Likely benign. Last evaluated: 2026-07-01. Review status: criteria provided, single submitter. Criteria: CeGaT Center For Human Genetics Tuebingen Variant Classification Criteria Version 2. Collection method: clinical testing. Allele origin: germline. Affected: yes. Observed: 1 variant allele.
Comment: CACNA1F: BS2

Labcorp Genetics (formerly Invitae), Labcorp
Classification: Benign. Last evaluated: 2026-01-01. Review status: criteria provided, single submitter. Criteria: Invitae Variant Classification Sherloc (09022015). Collection method: clinical testing. Allele origin: germline.

Blueprint Genetics
Classification: Likely benign. Last evaluated: 2024-11-15. Review status: criteria provided, single submitter. Criteria: ACMG Guidelines, 2015. Collection method: clinical testing. Allele origin: germline.

PreventionGenetics, part of Exact Sciences
Classification: Likely benign for CACNA1F-related condition. Last evaluated: 2022-10-31. Review status: no assertion criteria provided. Collection method: clinical testing. Allele origin: germline. Not counted in ClinVar's aggregate classification.
Comment: This variant is classified as likely benign based on ACMG/AMP sequence variant interpretation guidelines (Richards et al. 2015 PMID: 25741868, with internal and published modifications).